The following is an entry in ClinVar:

ClinVar aggregate classification (germline): Likely benign. Review status: criteria provided, multiple submitters, no conflicts (2 of 4 stars). 3 submissions from 3 submitters: Likely benign (3). Last evaluated 2025-06-04.

Conditions:
Congenital disorder of glycosylation, type Ii. Also called: ALG2-CDG; CDG Ii; ALG2-congenital disorder of glycosylation. Identifiers: Orphanet 79326, MedGen C1842836, MONDO:0011933, OMIM 607906.
Congenital myasthenic syndrome 14. Also called: Myasthenic syndrome, congenital, 14, with tubular aggregates. Identifiers: Orphanet 353327, Orphanet 590, MedGen C4015597, MONDO:0014543, OMIM 616228.

Allele frequency attached by ClinVar (database versions not stated): ExAC 0.00006; gnomAD exomes 0.00008 and 0.00004; gnomAD 0.00009 and 0.00011; 1000 Genomes Project 30x 0.00016; TOPMed 0.00007; 1000 Genomes Project 0.00020.
gnomAD v4.1: 78 of 1,611,132 alleles (0.0048%); highest among the groups gnomAD compares: Admixed American, 0.012%; no homozygotes.

Submissions (3):

Labcorp Genetics (formerly Invitae), Labcorp
Classification: Likely benign for Congenital disorder of glycosylation, type Ii; Congenital myasthenic syndrome 14. Last evaluated: 2025-06-04. Review status: criteria provided, single submitter. Criteria: Invitae Variant Classification Sherloc (09022015). Collection method: clinical testing. Allele origin: germline.

CeGaT Center for Human Genetics Tuebingen
Classification: Likely benign. Last evaluated: 2024-08-01. Review status: criteria provided, single submitter. Criteria: CeGaT Center For Human Genetics Tuebingen Variant Classification Criteria Version 2. Collection method: clinical testing. Allele origin: germline. Affected: yes. Observed: 1 variant allele.
Comment: ALG2: BP4, BP7

GeneDx
Classification: Likely benign. Last evaluated: 2016-08-01. Review status: criteria provided, single submitter. Criteria: GeneDx Variant Classification (06012015). Collection method: clinical testing. Allele origin: germline. Affected: yes.
Comment: This variant is considered likely benign or benign based on one or more of the following criteria: it is a conservative change, it occurs at a poorly conserved position in the protein, it is predicted to be benign by multiple in silico algorithms, and/or has population frequency not consistent with disease.

NM_033087.4(ALG2):c.1038G>A (p.Ser346=)

Gene: ALG2 (ALG2 alpha-1,3/1,6-mannosyltransferase; minus strand). Cytogenetic location: 9q22.33.
Variant type: single nucleotide variant.
Coding change: c.1038G>A on transcript NM_033087.4 (MANE Select); coding-DNA position 1038, G replaced by A.
Protein change: p.Ser346=; no amino-acid change (serine 346 retained).
Molecular consequence: synonymous variant. On other transcripts: non-coding transcript variant (1).
Genome position (GRCh38, 1-based): chr9:99,218,147, C>T on the plus strand (G>A on the coding strand, the complement: ALG2 is on the minus strand). VCF-style: chr9-99218147-C-T. GRCh37 (hg19) VCF-style: chr9-101980429-C-T.
Identifiers: ClinVar variation 387911 (VCV000387911.23), dbSNP rs200138333, ClinGen allele CA5156226.